The following is an entry in ClinVar:

NM_005876.5(SPEG):c.4147+6C>G

Gene: SPEG (striated muscle enriched protein kinase; plus strand). Cytogenetic location: 2q35.
Variant type: single nucleotide variant.
Coding change: c.4147+6C>G on transcript NM_005876.5 (MANE Select); 6 bases into the intron after coding-DNA position 4147, C replaced by G.
Molecular consequence: intron variant.
Genome position (GRCh38, 1-based): chr2:219,473,102, C>G. VCF-style: chr2-219473102-C-G. GRCh37 (hg19) VCF-style: chr2-220337824-C-G.
Other names: p.?.
Identifiers: ClinVar variation 1162955 (VCV001162955.8), dbSNP rs199897861, ClinGen allele CA2126399.

ClinVar aggregate classification (germline): Conflicting classifications of pathogenicity. Review status: criteria provided, conflicting classifications (1 of 4 stars). 2 submissions from 2 submitters: Uncertain significance (1); Likely benign (1). Last evaluated 2025-06-24.

Allele frequency attached by ClinVar (database versions not stated): gnomAD 0.00038; 1000 Genomes Project 30x 0.00094; TOPMed 0.00048; 1000 Genomes Project 0.00080.
gnomAD v4.1: 141 of 1,612,218 alleles (0.0087%); highest among the groups gnomAD compares: African/African-American, 0.17%; 1 homozygote.

Submissions (2):

Mayo Clinic Laboratories, Mayo Clinic
Classification: Likely benign. Last evaluated: 2025-06-24. Review status: criteria provided, single submitter. Criteria: ACMG Guidelines, 2015. Collection method: clinical testing. Allele origin: germline. Observed: 2 variant alleles.
Comment: BS1, BP4, BP7

Labcorp Genetics (formerly Invitae), Labcorp
Classification: Uncertain significance. Last evaluated: 2022-09-30. Review status: criteria provided, single submitter. Criteria: Invitae Variant Classification Sherloc (09022015). Collection method: clinical testing. Allele origin: germline.
Comment: This sequence change falls in intron 16 of the SPEG gene. It does not directly change the encoded amino acid sequence of the SPEG protein. It affects a nucleotide within the consensus splice site. This variant is present in population databases (rs199897861, gnomAD 0.2%). This variant has not been reported in the literature in individuals affected with SPEG-related conditions. ClinVar contains an entry for this variant (Variation ID: 1162955). Variants that disrupt the consensus splice site are a relatively common cause of aberrant splicing (PMID: 17576681, 9536098). Algorithms developed to predict the effect of sequence changes on RNA splicing suggest that this variant is not likely to affect RNA splicing. In summary, the available evidence is currently insufficient to determine the role of this variant in disease. Therefore, it has been classified as a Variant of Uncertain Significance.

Literature cited by the submitters: PubMed 17576681 (cited by Labcorp Genetics (formerly Invitae), Labcorp); PubMed 9536098 (cited by Labcorp Genetics (formerly Invitae), Labcorp).